The following is an entry in ClinVar:

NC_000011.9:g.(66616842_66617081)_(66639631_66719900)del

Genes: LRFN4 (leucine rich repeat and fibronectin type III domain containing 4; plus strand), PC (pyruvate carboxylase; minus strand). Cytogenetic location: 11q13.2.
Variant type: Deletion.
Identifiers: ClinVar variation 3896256 (VCV003896256.2).

ClinVar aggregate classification (germline): Pathogenic (1 of 4 stars; one submission).

Conditions:
Pyruvate carboxylase deficiency. Also called: LEIGH NECROTIZING ENCEPHALOPATHY DUE TO PYRUVATE CARBOXYLASE DEFICIENCY; LEIGH SYNDROME DUE TO PYRUVATE CARBOXYLASE DEFICIENCY; PC DEFICIENCY; ATAXIA WITH LACTIC ACIDOSIS II; Pyruvate Carboxylase Deficiency Disease. Identifiers: Orphanet 3008, MedGen C0034341, MONDO:0009949, OMIM 266150.

Submission:

Women's Health and Genetics/Laboratory Corporation of America, LabCorp
Classification: Pathogenic for Pyruvate carboxylase deficiency. Last evaluated: 2025-04-15. Review status: criteria provided, single submitter. Criteria: LabCorp Variant Classification Summary - May 2015. Collection method: clinical testing. Allele origin: germline.
Comment: Variant summary: The variant involves the deletion of exons 4-21 in the PC gene. This Copy Number Variant (CNV) is is predicted to remove the initiation codon and result in an absence of protein or a truncation of the encoded protein due to translation initiation at a downstream site. A presumed nomenclature of c.(-1+1_1-1)_(3147+1_3148-1)del has been designated for the purposes of this classification. The variant was absent in 21694 control chromosomes. To our knowledge, no occurrence of c.(-1+1_1-1)_(3147+1_3148-1)del in individuals affected with Pyruvate Carboxylase Deficiency and no experimental evidence demonstrating its impact on protein function have been reported. No submitters have cited clinical-significance assessments for this variant to ClinVar. Based on the evidence outlined above, the variant was classified as pathogenic.